The following is an entry in ClinVar:

NM_024649.5(BBS1):c.591+8C>T

Gene: BBS1 (Bardet-Biedl syndrome 1; plus strand). Cytogenetic location: 11q13.2.
Variant type: single nucleotide variant.
Coding change: c.591+8C>T on transcript NM_024649.5 (MANE Select); 8 bases into the intron after coding-DNA position 591, C replaced by T.
Molecular consequence: intron variant.
Genome position (GRCh38, 1-based): chr11:66,515,941, C>T. VCF-style: chr11-66515941-C-T. GRCh37 (hg19) VCF-style: chr11-66283412-C-T.
Other names: c.591+8C>T (NM_024649.4).
Identifiers: ClinVar variation 1561028 (VCV001561028.9), dbSNP rs1043360776, ClinGen allele CA224073885.
Genomic context (GRCh38, chr11:66,515,941, plus strand): 5'-GTGAAATGGAGGCATTTGTAAACCAACACAAGTCCAACTCCATCAAGCGGCAGGTAATAC[C>T]CCCTTCTCTTTTTATTTCCCTGTAAAAAAATTTACATTTTTTTAAAAGACCACTTAACAT-3'

ClinVar aggregate classification (germline): Likely benign. Review status: criteria provided, single submitter (1 of 4 stars). 2 submissions from 2 submitters: Likely benign (1). 1 of the submissions does not count toward it. Last evaluated 2024-02-26.

Conditions:
BBS1-related disorder. Also called: BBS1-related condition.
Bardet-Biedl syndrome (BBS). Identifiers: Orphanet 110, MedGen C0752166, MONDO:0015229.

Allele frequency attached by ClinVar (database versions not stated): TOPMed below 0.00001; gnomAD 0.00001.
gnomAD v4.1: 4 of 1,613,598 alleles (0.00025%); highest among the groups gnomAD compares: Non-Finnish European, 0.00034%; no homozygotes.

Submissions (2):

Labcorp Genetics (formerly Invitae), Labcorp
Classification: Likely benign for Bardet-Biedl syndrome. Last evaluated: 2024-02-26. Review status: criteria provided, single submitter. Criteria: Invitae Variant Classification Sherloc (09022015). Collection method: clinical testing. Allele origin: germline.

PreventionGenetics, part of Exact Sciences
Classification: Likely benign for BBS1-related condition. Last evaluated: 2024-05-31. Review status: no assertion criteria provided. Collection method: clinical testing. Allele origin: germline. Not counted in ClinVar's aggregate classification.
Comment: This variant is classified as likely benign based on ACMG/AMP sequence variant interpretation guidelines (Richards et al. 2015 PMID: 25741868, with internal and published modifications).